The following is an entry in ClinVar:

ClinVar aggregate classification (germline): Uncertain significance (1 of 4 stars; one submission).

Submission:

Labcorp Genetics (formerly Invitae), Labcorp
Classification: Uncertain significance. Last evaluated: 2024-04-16. Review status: criteria provided, single submitter. Criteria: Invitae Variant Classification Sherloc (09022015). Collection method: clinical testing. Allele origin: germline.
Comment: This sequence change replaces lysine, which is basic and polar, with arginine, which is basic and polar, at codon 461 of the RP1 protein (p.Lys461Arg). This variant is not present in population databases (gnomAD no frequency). This variant has not been reported in the literature in individuals affected with RP1-related conditions. An algorithm developed to predict the effect of missense changes on protein structure and function (PolyPhen-2) suggests that this variant is likely to be disruptive. In summary, the available evidence is currently insufficient to determine the role of this variant in disease. Therefore, it has been classified as a Variant of Uncertain Significance.

NM_006269.2(RP1):c.1382A>G (p.Lys461Arg)

Gene: RP1 (RP1 axonemal microtubule associated; plus strand). Cytogenetic location: 8q12.1.
Variant type: single nucleotide variant.
Coding change: c.1382A>G on transcript NM_006269.2 (MANE Select); coding-DNA position 1382, A replaced by G.
Protein change: p.Lys461Arg; replaces lysine 461 with arginine.
Molecular consequence: missense variant. On other transcripts: intron variant (1).
Genome position (GRCh38, 1-based): chr8:54,625,264, A>G. VCF-style: chr8-54625264-A-G. GRCh37 (hg19) VCF-style: chr8-55537824-A-G.
Other names: c.787+2976A>G (NM_001375654.1); short protein forms K461R.
Identifiers: ClinVar variation 3650122 (VCV003650122.2).